The following is an entry in ClinVar:

ClinVar aggregate classification (germline): Uncertain significance (1 of 4 stars; one submission).

gnomAD v4.1: 1 of 1,574,554 alleles (0.000064%); highest among the groups gnomAD compares: African/African-American, 0.0013%; no homozygotes.

Submission:

GeneDx
Classification: Uncertain significance. Last evaluated: 2024-04-15. Review status: criteria provided, single submitter. Criteria: GeneDx Variant Classification Process June 2021. Collection method: clinical testing. Allele origin: germline. Affected: yes.
Comment: Not observed at significant frequency in large population cohorts (gnomAD); In silico analysis supports that this missense variant has a deleterious effect on protein structure/function; Has not been previously published as pathogenic or benign to our knowledge

NM_002397.5(MEF2C):c.626G>T (p.Gly209Val)

Gene: MEF2C (myocyte enhancer factor 2C; minus strand). Cytogenetic location: 5q14.3.
Variant type: single nucleotide variant.
Coding change: c.626G>T on transcript NM_002397.5 (MANE Select); coding-DNA position 626, G replaced by T.
Protein change: p.Gly209Val; replaces glycine 209 with valine.
Molecular consequence: missense variant.
Genome position (GRCh38, 1-based): chr5:88,749,081, C>A on the plus strand (G>T on the coding strand, the complement: MEF2C is on the minus strand). VCF-style: chr5-88749081-C-A. GRCh37 (hg19) VCF-style: chr5-88044898-C-A.
Other names: c.620G>T, p.Gly207Val (NM_001131005.2, NM_001364343.2, NM_001364352.2); c.680G>T, p.Gly227Val (NM_001193347.1, NM_001364338.2); c.482G>T, p.Gly161Val (NM_001193348.1, NM_001193349.3, NM_001364332.2 and 3 more transcripts); c.626G>T, p.Gly209Val (NM_001193350.2, NM_001308002.3, NM_001363581.2 and 18 more transcripts); c.248G>T, p.Gly83Val (NM_001364353.2, NM_001364356.2); c.200G>T, p.Gly67Val (NM_001364357.2); short protein forms G161V, G207V, G209V, G227V, G67V, G83V.
Identifiers: ClinVar variation 3363565 (VCV003363565.1).